The following is an entry in ClinVar:

NM_198578.4(LRRK2):c.3521C>G (p.Ser1174Cys)

Gene: LRRK2 (leucine rich repeat kinase 2; plus strand). Cytogenetic location: 12q12.
Variant type: single nucleotide variant.
Coding change: c.3521C>G on transcript NM_198578.4 (MANE Select); coding-DNA position 3521, C replaced by G.
Protein change: p.Ser1174Cys; replaces serine 1174 with cysteine.
Molecular consequence: missense variant.
Genome position (GRCh38, 1-based): chr12:40,302,813, C>G. VCF-style: chr12-40302813-C-G. GRCh37 (hg19) VCF-style: chr12-40696615-C-G.
Other names: short protein forms S1174C.
Identifiers: ClinVar variation 3540586 (VCV003540586.1).

ClinVar aggregate classification (germline): Uncertain significance (1 of 4 stars; one submission).

Conditions:
Inborn genetic diseases. Identifiers: MedGen C0950123, MeSH D030342.

Submission:

Ambry Genetics
Classification: Uncertain significance for Inborn genetic diseases. Last evaluated: 2024-07-18. Review status: criteria provided, single submitter. Criteria: Ambry Variant Classification Scheme 2023. Collection method: clinical testing. Allele origin: germline.
Comment: The p.S1174C variant (also known as c.3521C>G), located in coding exon 26 of the LRRK2 gene, results from a C to G substitution at nucleotide position 3521. The serine at codon 1174 is replaced by cysteine, an amino acid with dissimilar properties. This amino acid position is conserved. In addition, the in silico prediction for this alteration is inconclusive. Based on the available evidence, the clinical significance of this variant remains unclear.